The following is an entry in ClinVar:

ClinVar aggregate classification (germline): Benign/Likely benign. Review status: criteria provided, multiple submitters, no conflicts (2 of 4 stars). 4 submissions from 4 submitters: Benign (1); Likely benign (1). 2 of the submissions do not count toward it. Last evaluated 2026-01-13.

Conditions:
Alagille syndrome due to a JAG1 point mutation. Also called: HEPATIC DUCTULAR HYPOPLASIA, SYNDROMATIC; Alagille Syndrome 1; JAG1-Related Alagille Syndrome. Identifiers: Orphanet 261619, Orphanet 52, MedGen C1956125, MONDO:0016862, OMIM 118450.
JAG1-related disorder. Also called: JAG1-related disorders; JAG1-related condition.

Submissions (4):

Labcorp Genetics (formerly Invitae), Labcorp
Classification: Benign for Alagille syndrome due to a JAG1 point mutation. Last evaluated: 2026-01-13. Review status: criteria provided, single submitter. Criteria: Invitae Variant Classification Sherloc (09022015). Collection method: clinical testing. Allele origin: germline.

Blueprint Genetics
Classification: Likely benign. Last evaluated: 2023-12-13. Review status: criteria provided, single submitter. Criteria: ACMG Guidelines, 2015. Collection method: clinical testing. Allele origin: germline.

Genetic Services Laboratory, University of Chicago
Classification: Likely benign. Last evaluated: 2022-11-21. Review status: no assertion criteria provided. Collection method: clinical testing. Allele origin: germline. Affected: no. Not counted in ClinVar's aggregate classification.

PreventionGenetics, part of Exact Sciences
Classification: Likely benign for JAG1-related condition. Last evaluated: 2019-06-21. Review status: no assertion criteria provided. Collection method: clinical testing. Allele origin: germline. Not counted in ClinVar's aggregate classification.
Comment: This variant is classified as likely benign based on ACMG/AMP sequence variant interpretation guidelines (Richards et al. 2015 PMID: 25741868, with internal and published modifications).

NM_000214.3(JAG1):c.1349-8dup

Gene: JAG1 (jagged canonical Notch ligand 1; minus strand). Cytogenetic location: 20p12.2.
Variant type: Duplication.
Coding change: c.1349-8dup on transcript NM_000214.3 (MANE Select); 8 bases into the intron before coding-DNA position 1349, one base duplicated (T; older notation c.1349-8dupT).
Molecular consequence: intron variant.
Genome position (GRCh38, 1-based): chr20:10,649,110, A duplicated on the plus strand (T on the coding strand, the reverse complement: JAG1 is on the minus strand); the first of 6 consecutive A bases (chr20:10,649,110-10,649,115); duplicating any one gives the same sequence. VCF-style (leftmost placement, unchanged base first): chr20-10649109-T-TA. GRCh37 (hg19) VCF-style: chr20-10629757-T-TA.
Other names: c.1349-3dupT (NM_000214.2); c.1349-3dup (NM_000214.3).
Identifiers: ClinVar variation 1165940 (VCV001165940.13), dbSNP rs767319365, ClinGen allele CA9764894.